The following is an entry in ClinVar:

NM_001378609.3(OTOGL):c.1102G>A (p.Ala368Thr)

Gene: OTOGL (otogelin like; plus strand). Cytogenetic location: 12q21.31.
Variant type: single nucleotide variant.
Coding change: c.1102G>A on transcript NM_001378609.3 (MANE Select); coding-DNA position 1102, G replaced by A.
Protein change: p.Ala368Thr; replaces alanine 368 with threonine.
Molecular consequence: missense variant.
Genome position (GRCh38, 1-based): chr12:80,251,742, G>A. VCF-style: chr12-80251742-G-A. GRCh37 (hg19) VCF-style: chr12-80645522-G-A.
Other names: c.1102G>A, p.Ala368Thr (NM_001368062.3, NM_001378610.3, NM_173591.7); short protein forms A359T, A368T.
Identifiers: ClinVar variation 517356 (VCV000517356.7), dbSNP rs767747155, ClinGen allele CA6700367.

ClinVar aggregate classification (germline): Uncertain significance. Review status: criteria provided, multiple submitters, no conflicts (2 of 4 stars). 3 submissions from 3 submitters: Uncertain significance (3). Last evaluated 2025-01-11.

Conditions:
OTOGL-related disorder. Also called: OTOGL-related condition.

Allele frequency attached by ClinVar (database versions not stated): gnomAD 0.00001; TOPMed 0.00001; gnomAD exomes 0.00002; ExAC 0.00005.
gnomAD v4.1: 10 of 1,595,110 alleles (0.00063%); highest among the groups gnomAD compares: Non-Finnish European, 0.00068%; no homozygotes.

Submissions (3):

PreventionGenetics, part of Exact Sciences
Classification: Uncertain significance for OTOGL-related condition. Last evaluated: 2025-01-11. Review status: criteria provided, single submitter. Criteria: ACMG Guidelines, 2015. Collection method: clinical testing. Allele origin: germline.
Comment: The OTOGL c.1075G>A variant is predicted to result in the amino acid substitution p.Ala359Thr. To our knowledge, this variant has not been reported in the literature. This variant is reported in 0.0053% of alleles in individuals of European (Non-Finnish) descent in gnomAD. At this time, the clinical significance of this variant is uncertain due to the absence of conclusive functional and genetic evidence.

Blueprint Genetics
Classification: Uncertain significance. Last evaluated: 2018-03-26. Review status: criteria provided, single submitter. Criteria: ACMG Guidelines, 2015. Collection method: clinical testing. Allele origin: germline.

Laboratory for Molecular Medicine, Mass General Brigham Personalized Medicine
Classification: Uncertain significance. Last evaluated: 2017-05-21. Review status: criteria provided, single submitter. Criteria: LMM Criteria. Collection method: clinical testing. Allele origin: germline. Observed: 2 variant alleles.
Comment: The p.Ala359Thr variant in OTOGL has not been previously reported in individuals with hearing loss, but has been identified in 5/93662 European chromosomes by t he Genome Aggregation Database (gnomAD; dbSNP rs767747155). Although this variant has been seen in the general population, its frequency is not high enough to rule out a pathogenic role. Computational predi ction tools and conservation analyses do not provide strong support for or again st an impact to the protein. In summary, the clinical significance of the p.Ala 359Thr variant is uncertain.